The following is an entry in ClinVar:

ClinVar aggregate classification (germline): Uncertain significance. Review status: criteria provided, multiple submitters, no conflicts (2 of 4 stars). 3 submissions from 3 submitters: Uncertain significance (3). Last evaluated 2024-03-06.

Conditions:
Hereditary cancer-predisposing syndrome. Also called: Neoplastic Syndromes, Hereditary; Tumor predisposition; Hereditary Cancer Syndrome; Hereditary neoplastic syndrome. Identifiers: Orphanet 140162, MedGen C0027672, MeSH D009386, MONDO:0015356.
Familial adenomatous polyposis 1 (FAP1). Also called: FAMILIAL ADENOMATOUS POLYPOSIS 1, ATTENUATED; POLYPOSIS, ADENOMATOUS INTESTINAL. Identifiers: MedGen C2713442, MONDO:0021056, OMIM 175100. Disease mechanism: loss of function.

Allele frequency attached by ClinVar (database versions not stated): gnomAD exomes below 0.00001.
gnomAD v4.1: 1 of 1,614,240 alleles (0.000062%); highest among the groups gnomAD compares: Non-Finnish European, 0.000085%; no homozygotes.

Submissions (3):

Color Diagnostics, LLC DBA Color Health
Classification: Uncertain significance for Hereditary cancer-predisposing syndrome. Last evaluated: 2024-03-06. Review status: criteria provided, single submitter. Criteria: ACMG Guidelines, 2015. Collection method: clinical testing. Allele origin: germline.
Comment: This missense variant replaces lysine with glutamic acid at codon 993 of the APC protein. Computational prediction tool suggests that this variant may not impact protein structure and function. Splice site prediction tools suggest that this variant may not impact RNA splicing. To our knowledge, functional studies have not been performed for this variant. This variant has not been reported in individuals affected with hereditary cancer in the literature. This variant has not been identified in the general population by the Genome Aggregation Database (gnomAD). The available evidence is insufficient to determine the role of this variant in disease conclusively. Therefore, this variant is classified as a Variant of Uncertain Significance.

Labcorp Genetics (formerly Invitae), Labcorp
Classification: Uncertain significance for Familial adenomatous polyposis 1. Last evaluated: 2022-08-04. Review status: criteria provided, single submitter. Criteria: Invitae Variant Classification Sherloc (09022015). Collection method: clinical testing. Allele origin: germline.
Comment: ClinVar contains an entry for this variant (Variation ID: 927072). In summary, the available evidence is currently insufficient to determine the role of this variant in disease. Therefore, it has been classified as a Variant of Uncertain Significance. Algorithms developed to predict the effect of missense changes on protein structure and function are either unavailable or do not agree on the potential impact of this missense change (SIFT: "Deleterious"; PolyPhen-2: "Benign"; Align-GVGD: "Class C0"). This variant has not been reported in the literature in individuals affected with APC-related conditions. This variant is not present in population databases (gnomAD no frequency). This sequence change replaces lysine, which is basic and polar, with glutamic acid, which is acidic and polar, at codon 993 of the APC protein (p.Lys993Glu).

Ambry Genetics
Classification: Uncertain significance for Hereditary cancer-predisposing syndrome. Last evaluated: 2022-04-04. Review status: criteria provided, single submitter. Criteria: Ambry Variant Classification Scheme 2023. Collection method: clinical testing. Allele origin: germline.
Comment: The p.K993E variant (also known as c.2977A>G), located in coding exon 15 of the APC gene, results from an A to G substitution at nucleotide position 2977. The lysine at codon 993 is replaced by glutamic acid, an amino acid with similar properties. This amino acid position is conserved. In addition, in silico predictors for this gene do not accurately predict pathogenicity. Since supporting evidence is limited at this time, the clinical significance of this alteration remains unclear.

NM_000038.6(APC):c.2977A>G (p.Lys993Glu)

Gene: APC (APC regulator of Wnt signaling pathway; plus strand). Cytogenetic location: 5q22.2.
Variant type: single nucleotide variant.
Coding change: c.2977A>G on transcript NM_000038.6 (MANE Select); coding-DNA position 2977, A replaced by G.
Protein change: p.Lys993Glu; replaces lysine 993 with glutamic acid.
Molecular consequence: missense variant.
Genome position (GRCh38, 1-based): chr5:112,838,571, A>G. VCF-style: chr5-112838571-A-G. GRCh37 (hg19) VCF-style: chr5-112174268-A-G.
Other names: c.2977A>G, p.Lys993Glu (NM_001127510.3, NM_001354895.2); c.2923A>G, p.Lys975Glu (NM_001127511.3); c.3031A>G, p.Lys1011Glu (NM_001354896.2); c.3007A>G, p.Lys1003Glu (NM_001354897.2); c.2902A>G, p.Lys968Glu (NM_001354898.2); c.2893A>G, p.Lys965Glu (NM_001354899.2); c.2854A>G, p.Lys952Glu (NM_001354900.2); c.2800A>G, p.Lys934Glu (NM_001354901.2); and 5 more; short protein forms K1011E, K833E, K965E, K968E, K710E, K892E, K902E, K952E.
Identifiers: ClinVar variation 927072 (VCV000927072.14), dbSNP rs1765309047, ClinGen allele CA16027839.